The following is an entry in ClinVar:

ClinVar aggregate classification (germline): Likely benign. Review status: criteria provided, multiple submitters, no conflicts (2 of 4 stars). 6 submissions from 6 submitters: Likely benign (6). Last evaluated 2025-08-03.

Conditions:
Maturity-onset diabetes of the young type 11. Identifiers: Orphanet 552, MedGen C3150618, MONDO:0013242, OMIM 613375.

Allele frequency attached by ClinVar (database versions not stated): ESP Exome Variant Server 0.00023; 1000 Genomes Project 30x 0.00031; 1000 Genomes Project 0.00040; TOPMed 0.00047; gnomAD 0.00054 and 0.00056; gnomAD exomes 0.00065; ExAC 0.00069.
gnomAD v4.1: 1,037 of 1,613,740 alleles (0.064%); highest among the groups gnomAD compares: South Asian, 0.17%; 3 homozygotes.

Submissions (6):

Labcorp Genetics (formerly Invitae), Labcorp
Classification: Likely benign. Last evaluated: 2025-08-03. Review status: criteria provided, single submitter. Criteria: Invitae Variant Classification Sherloc (09022015). Collection method: clinical testing. Allele origin: germline.

Blueprint Genetics
Classification: Likely benign. Last evaluated: 2024-11-11. Review status: criteria provided, single submitter. Criteria: ACMG Guidelines, 2015. Collection method: clinical testing. Allele origin: germline.

CeGaT Center for Human Genetics Tuebingen
Classification: Likely benign. Last evaluated: 2023-06-01. Review status: criteria provided, single submitter. Criteria: CeGaT Center For Human Genetics Tuebingen Variant Classification Criteria Version 2. Collection method: clinical testing. Allele origin: germline. Affected: yes. Observed: 2 variant alleles.
Comment: BLK: BP4, BP7

GeneDx
Classification: Likely benign. Last evaluated: 2019-05-22. Review status: criteria provided, single submitter. Criteria: GeneDx Variant Classification Process June 2021. Collection method: clinical testing. Allele origin: germline. Affected: yes.

Illumina Laboratory Services, Illumina
Classification: Likely benign for Maturity-onset diabetes of the young type 11. Last evaluated: 2018-01-13. Review status: criteria provided, single submitter. Criteria: ICSL Variant Classification Criteria 13 December 2019. Collection method: clinical testing. Allele origin: germline.
Comment: This variant was observed in the ICSL laboratory as part of a predisposition screen in an ostensibly healthy population. It had not been previously curated by ICSL or reported in the Human Gene Mutation Database (HGMD: prior to June 1st, 2018), and was therefore a candidate for classification through an automated scoring system. Utilizing variant allele frequency, disease prevalence and penetrance estimates, and inheritance mode, an automated score was calculated to assess if this variant is too frequent to cause the disease. Based on the score and internal cut-off values, a variant classified as likely benign is not then subjected to further curation. The score for this variant resulted in a classification of likely benign for this disease.

PreventionGenetics, part of Exact Sciences
Classification: Likely benign. Review status: criteria provided, single submitter. Criteria: ACMG Guidelines, 2015. Collection method: clinical testing. Allele origin: germline.

NM_001715.3(BLK):c.1302G>A (p.Val434=)

Gene: BLK (BLK proto-oncogene, Src family tyrosine kinase). Cytogenetic location: 8p23.1.
Variant type: single nucleotide variant.
Coding change: c.1302G>A on transcript NM_001715.3 (MANE Select); coding-DNA position 1302, G replaced by A.
Protein change: p.Val434=; no amino-acid change (valine 434 retained).
Molecular consequence: synonymous variant.
Genome position (GRCh38, 1-based): chr8:11,563,100, G>A. VCF-style: chr8-11563100-G-A. GRCh37 (hg19) VCF-style: chr8-11420609-G-A.
Other names: c.1089G>A, p.Val363= (NM_001330465.2).
Identifiers: ClinVar variation 258176 (VCV000258176.41), dbSNP rs145686279, ClinGen allele CA4630443.